The following is an entry in ClinVar:

ClinVar aggregate classification (germline): Uncertain significance (1 of 4 stars; one submission).

Conditions:
Developmental and epileptic encephalopathy, 53. Also called: Epileptic encephalopathy, early infantile, 53. Identifiers: MedGen C4479313, MONDO:0033362, OMIM 617389.
Early-onset Parkinson disease 20. Also called: PARKINSON DISEASE 20, AUTOSOMAL RECESSIVE EARLY-ONSET. Identifiers: Orphanet 391411, MedGen C3809824, MONDO:0014233, OMIM 615530.

Allele frequency attached by ClinVar (database versions not stated): gnomAD exomes 0.00001; TOPMed 0.00001; ExAC 0.00002.
gnomAD v4.1: 3 of 1,613,586 alleles (0.00019%); highest among the groups gnomAD compares: East Asian, 0.0067%; no homozygotes.

Submission:

Labcorp Genetics (formerly Invitae), Labcorp
Classification: Uncertain significance for Developmental and epileptic encephalopathy, 53; Early-onset Parkinson disease 20. Last evaluated: 2022-08-12. Review status: criteria provided, single submitter. Criteria: Invitae Variant Classification Sherloc (09022015). Collection method: clinical testing. Allele origin: germline.
Comment: This sequence change replaces proline, which is neutral and non-polar, with histidine, which is basic and polar, at codon 777 of the SYNJ1 protein (p.Pro777His). In summary, the available evidence is currently insufficient to determine the role of this variant in disease. Therefore, it has been classified as a Variant of Uncertain Significance. Algorithms developed to predict the effect of missense changes on protein structure and function are either unavailable or do not agree on the potential impact of this missense change (SIFT: "Deleterious"; PolyPhen-2: "Probably Damaging"; Align-GVGD: "Class C0"). This variant has not been reported in the literature in individuals affected with SYNJ1-related conditions. This variant is present in population databases (rs778437774, gnomAD 0.02%).

NM_203446.3(SYNJ1):c.2213C>A (p.Pro738His)

Gene: SYNJ1 (synaptojanin 1; minus strand). Cytogenetic location: 21q22.11.
Variant type: single nucleotide variant.
Coding change: c.2213C>A on transcript NM_203446.3 (MANE Select); coding-DNA position 2213, C replaced by A.
Protein change: p.Pro738His; replaces proline 738 with histidine.
Molecular consequence: missense variant.
Genome position (GRCh38, 1-based): chr21:32,665,004, G>T on the plus strand (C>A on the coding strand, the complement: SYNJ1 is on the minus strand). VCF-style: chr21-32665004-G-T. GRCh37 (hg19) VCF-style: chr21-34037314-G-T.
Other names: c.2213C>A, p.Pro738His (NM_001160302.2); c.2198C>A, p.Pro733His (NM_001160306.2); c.2330C>A, p.Pro777His (NM_003895.4); short protein forms P733H, P777H, P738H.
Identifiers: ClinVar variation 2042366 (VCV002042366.4), dbSNP rs778437774, ClinGen allele CA10003711.
Genomic context (GRCh38, chr21:32,665,004, plus strand): 5'-TCTCCTGCTATAAGAGAATCCCAATTTTGCTGTCTTATGAGCTCTTTAACTTCTTCGTTA[G>T]GGAGATCGATTCGATAGTTGAAATCACCACACCAAAATACATAGTCATGGGAAAATAGCA-3'
Protein context (NP_982271.3, residues 728-748): CGDFNYRIDL[Pro738His]NEEVKELIRQ